The following is an entry in ClinVar:

NM_006431.3(CCT2):c.1441A>T (p.Arg481Trp)

Gene: CCT2 (chaperonin containing TCP1 subunit 2; plus strand). Cytogenetic location: 12q15.
Variant type: single nucleotide variant.
Coding change: c.1441A>T on transcript NM_006431.3 (MANE Select); coding-DNA position 1441, A replaced by T.
Protein change: p.Arg481Trp; replaces arginine 481 with tryptophan.
Molecular consequence: missense variant.
Genome position (GRCh38, 1-based): chr12:69,599,868, A>T. VCF-style: chr12-69599868-A-T. GRCh37 (hg19) VCF-style: chr12-69993648-A-T.
Other names: c.1300A>T, p.Arg434Trp (NM_001198842.2); short protein forms R434W, R481W.
Identifiers: ClinVar variation 1933437 (VCV001933437.5), dbSNP rs1374136585, ClinGen allele CA385731625.

ClinVar aggregate classification (germline): Uncertain significance (1 of 4 stars; one submission).

Allele frequency attached by ClinVar (database versions not stated): TOPMed 0.00001; gnomAD 0.00002.
gnomAD v4.1: 5 of 1,607,870 alleles (0.00031%); highest among the groups gnomAD compares: Admixed American, 0.0068%; no homozygotes.

Submission:

Labcorp Genetics (formerly Invitae), Labcorp
Classification: Uncertain significance. Last evaluated: 2021-12-29. Review status: criteria provided, single submitter. Criteria: Invitae Variant Classification Sherloc (09022015). Collection method: clinical testing. Allele origin: germline.
Comment: This variant has not been reported in the literature in individuals affected with CCT2-related conditions. In summary, the available evidence is currently insufficient to determine the role of this variant in disease. Therefore, it has been classified as a Variant of Uncertain Significance. Algorithms developed to predict the effect of missense changes on protein structure and function are either unavailable or do not agree on the potential impact of this missense change (SIFT: "Deleterious"; PolyPhen-2: "Possibly Damaging"; Align-GVGD: "Class C0"). This variant is present in population databases (no rsID available, gnomAD 0.003%). This sequence change replaces arginine, which is basic and polar, with tryptophan, which is neutral and slightly polar, at codon 481 of the CCT2 protein (p.Arg481Trp).